The following is an entry in ClinVar:

NM_005901.6(SMAD2):c.1297A>C (p.Ser433Arg)

Gene: SMAD2 (SMAD family member 2; minus strand). Cytogenetic location: 18q21.1.
Variant type: single nucleotide variant.
Coding change: c.1297A>C on transcript NM_005901.6 (MANE Select); coding-DNA position 1297, A replaced by C.
Protein change: p.Ser433Arg; replaces serine 433 with arginine.
Molecular consequence: missense variant.
Genome position (GRCh38, 1-based): chr18:47,841,934, T>G on the plus strand (A>C on the coding strand, the complement: SMAD2 is on the minus strand). VCF-style: chr18-47841934-T-G. GRCh37 (hg19) VCF-style: chr18-45368305-T-G.
Other names: c.1297A>C, p.Ser433Arg (NM_001003652.4); c.1207A>C, p.Ser403Arg (NM_001135937.3); short protein forms S433R, S403R.
Identifiers: ClinVar variation 2029730 (VCV002029730.4), dbSNP rs1913990153, ClinGen allele CA402502720.

ClinVar aggregate classification (germline): Uncertain significance (1 of 4 stars; one submission).

Submission:

Labcorp Genetics (formerly Invitae), Labcorp
Classification: Uncertain significance. Last evaluated: 2022-09-09. Review status: criteria provided, single submitter. Criteria: Invitae Variant Classification Sherloc (09022015). Collection method: clinical testing. Allele origin: germline.
Comment: This variant has not been reported in the literature in individuals affected with SMAD2-related conditions. In summary, the available evidence is currently insufficient to determine the role of this variant in disease. Therefore, it has been classified as a Variant of Uncertain Significance. Advanced modeling of protein sequence and biophysical properties (such as structural, functional, and spatial information, amino acid conservation, physicochemical variation, residue mobility, and thermodynamic stability) performed at Invitae indicates that this missense variant is expected to disrupt SMAD2 protein function. This variant is not present in population databases (gnomAD no frequency). This sequence change replaces serine, which is neutral and polar, with arginine, which is basic and polar, at codon 433 of the SMAD2 protein (p.Ser433Arg).